The following is an entry in ClinVar:

ClinVar aggregate classification (germline): Uncertain significance (1 of 4 stars; one submission).

Submission:

Ambry Genetics
Classification: Uncertain significance. Last evaluated: 2024-09-26. Review status: criteria provided, single submitter. Criteria: Ambry Variant Classification Scheme 2023. Collection method: clinical testing. Allele origin: germline.
Comment: The c.115G>A (p.A39T) alteration is located in exon (coding exon ) of the SH3RF3 gene. This alteration results from a G to A substitution at nucleotide position 115, causing the alanine (A) at amino acid position 39 to be replaced by a threonine (T). Based on insufficient or conflicting evidence, the clinical significance of this alteration remains unclear.

NM_001099289.3(SH3RF3):c.115G>A (p.Ala39Thr)

Genes: RANBP2 (RAN binding protein 2; plus strand), SH3RF3 (SH3 domain containing ring finger 3; plus strand), SH3RF3-AS1 (SH3RF3 antisense RNA 1; minus strand). Cytogenetic location: 2q13.
Variant type: single nucleotide variant.
Coding change: c.115G>A on transcript NM_001099289.3 (MANE Select); coding-DNA position 115, G replaced by A.
Protein change: p.Ala39Thr; replaces alanine 39 with threonine.
Molecular consequence: missense variant. On other transcripts: non-coding transcript variant (1).
Genome position (GRCh38, 1-based): chr2:109,129,655, G>A. VCF-style: chr2-109129655-G-A. GRCh37 (hg19) VCF-style: chr2-109746111-G-A.
Other names: short protein forms A39T.
Identifiers: ClinVar variation 3441124 (VCV003441124.1).